The following is an entry in ClinVar:

NM_033026.6(PCLO):c.8143T>G (p.Tyr2715Asp)

Gene: PCLO (piccolo presynaptic cytomatrix protein; minus strand). Cytogenetic location: 7q21.11.
Variant type: single nucleotide variant.
Coding change: c.8143T>G on transcript NM_033026.6 (MANE Select); coding-DNA position 8143, T replaced by G.
Protein change: p.Tyr2715Asp; replaces tyrosine 2715 with aspartic acid.
Molecular consequence: missense variant.
Genome position (GRCh38, 1-based): chr7:82,952,810, A>C on the plus strand (T>G on the coding strand, the complement: PCLO is on the minus strand). VCF-style: chr7-82952810-A-C. GRCh37 (hg19) VCF-style: chr7-82582126-A-C.
Other names: c.8143T>G, p.Tyr2715Asp (NM_014510.3); short protein forms Y2715D.
Identifiers: ClinVar variation 1938232 (VCV001938232.2), dbSNP rs563292072, ClinGen allele CA4320176.

ClinVar aggregate classification (germline): Uncertain significance (1 of 4 stars; one submission).

Allele frequency attached by ClinVar (database versions not stated): gnomAD 0.00001; TOPMed 0.00001; gnomAD exomes 0.00003; ExAC 0.00006; 1000 Genomes Project 0.00060; 1000 Genomes Project 30x 0.00062.
gnomAD v4.1: 40 of 1,613,772 alleles (0.0025%); highest among the groups gnomAD compares: South Asian, 0.041%; no homozygotes.

Submission:

Labcorp Genetics (formerly Invitae), Labcorp
Classification: Uncertain significance. Last evaluated: 2022-05-15. Review status: criteria provided, single submitter. Criteria: Invitae Variant Classification Sherloc (09022015). Collection method: clinical testing. Allele origin: germline.
Comment: This sequence change replaces tyrosine, which is neutral and polar, with aspartic acid, which is acidic and polar, at codon 2715 of the PCLO protein (p.Tyr2715Asp). This variant is present in population databases (rs563292072, gnomAD 0.04%). This variant has not been reported in the literature in individuals affected with PCLO-related conditions. Algorithms developed to predict the effect of missense changes on protein structure and function are either unavailable or do not agree on the potential impact of this missense change (SIFT: "Tolerated"; PolyPhen-2: "Not Available"; Align-GVGD: "Class C0"). In summary, the available evidence is currently insufficient to determine the role of this variant in disease. Therefore, it has been classified as a Variant of Uncertain Significance.